The following is an entry in ClinVar:

NM_001278116.2(L1CAM):c.827G>T (p.Trp276Leu)

Gene: L1CAM (L1 cell adhesion molecule; minus strand). Cytogenetic location: Xq28.
Variant type: single nucleotide variant.
Coding change: c.827G>T on transcript NM_001278116.2 (MANE Select); coding-DNA position 827, G replaced by T.
Protein change: p.Trp276Leu; replaces tryptophan 276 with leucine.
Molecular consequence: missense variant.
Genome position (GRCh38, 1-based): chrX:153,870,220, C>A on the plus strand (G>T on the coding strand, the complement: L1CAM is on the minus strand). VCF-style: chrX-153870220-C-A. GRCh37 (hg19) VCF-style: chrX-153135675-C-A.
Other names: c.827G>T, p.Trp276Leu (NM_000425.5, NM_024003.3); c.812G>T, p.Trp271Leu (NM_001143963.2); short protein forms W271L, W276L.
Identifiers: ClinVar variation 2632923 (VCV002632923.1), dbSNP rs2521018108, ClinGen allele CA415132538.
Genomic context (GRCh38, chrX:153,870,220, plus strand): 5'-GTCTTGTTGTGGTTCTGGTAGGTGACACGGTCGGCTGGCATGGGGCCACTGGGGCGCAGC[C>A]ATTTGATGGTGGGCGTGGGACTGCCCGGGAGGCAAAGGGAAGAGAGCAGAAGGGAGAAAG-3'
Protein context (NP_001265045.1, residues 266-286): AEGFPTPTIK[Trp276Leu]LRPSGPMPAD

ClinVar aggregate classification (germline): Uncertain significance (1 of 4 stars; one submission).

Conditions:
L1CAM-related disorder. Also called: L1CAM-related condition.

Submission:

PreventionGenetics, part of Exact Sciences
Classification: Uncertain significance for L1CAM-related condition. Last evaluated: 2023-04-21. Review status: criteria provided, single submitter. Criteria: ACMG Guidelines, 2015. Collection method: clinical testing. Allele origin: germline.
Comment: The L1CAM c.827G>T variant is predicted to result in the amino acid substitution p.Trp276Leu. To our knowledge, this variant has not been reported in the literature or in a large population database, indicating this variant is rare. An alternate missense variant at the same amino acid position has been reported as a de novo occurrence in a patient with L1 syndrome (p.Trp276Arg; Vos et al. 2009. PubMed ID: 19846429). Although we suspect that this variant may be pathogenic, at this time, the clinical significance of this variant is uncertain due to the absence of conclusive functional and genetic evidence.